The following is an entry in ClinVar:

NM_000428.3(LTBP2):c.4597C>T (p.Gln1533Ter)

Gene: LTBP2 (latent transforming growth factor beta binding protein 2; minus strand). Cytogenetic location: 14q24.3.
Variant type: single nucleotide variant.
Coding change: c.4597C>T on transcript NM_000428.3 (MANE Select); coding-DNA position 4597, C replaced by T.
Protein change: p.Gln1533Ter; replaces glutamine 1533 with a stop codon.
Molecular consequence: nonsense.
Genome position (GRCh38, 1-based): chr14:74,503,592, G>A on the plus strand (C>T on the coding strand, the complement: LTBP2 is on the minus strand). VCF-style: chr14-74503592-G-A. GRCh37 (hg19) VCF-style: chr14-74970295-G-A.
Other names: short protein forms Q1533*.
Identifiers: ClinVar variation 667380 (VCV000667380.7), dbSNP rs1446110883, ClinGen allele CA390385232.

ClinVar aggregate classification (germline): Pathogenic/Likely pathogenic. Review status: criteria provided, multiple submitters, no conflicts (2 of 4 stars). 2 submissions from 2 submitters: Pathogenic (1); Likely pathogenic (1). Last evaluated 2024-11-21.

Conditions:
Glaucoma of childhood. Also called: Juvenile open angle glaucoma; Developmental glaucoma; Childhood glaucoma; Infantile glaucoma; Pediatric glaucoma. Identifiers: Orphanet 98977, MedGen C2981140, MONDO:0020367, HP:0001087.

Allele frequency attached by ClinVar (database versions not stated): gnomAD exomes below 0.00001.
gnomAD v4.1: 5 of 1,613,764 alleles (0.00031%); highest among the groups gnomAD compares: African/African-American, 0.0013%; no homozygotes.

Submissions (2):

Labcorp Genetics (formerly Invitae), Labcorp
Classification: Pathogenic. Last evaluated: 2024-11-21. Review status: criteria provided, single submitter. Criteria: Invitae Variant Classification Sherloc (09022015). Collection method: clinical testing. Allele origin: germline.
Comment: This sequence change creates a premature translational stop signal (p.Gln1533*) in the LTBP2 gene. It is expected to result in an absent or disrupted protein product. Loss-of-function variants in LTBP2 are known to be pathogenic (PMID: 19361779, 19656777, 22025892). This variant is present in population databases (no rsID available, gnomAD 0.0009%). This variant has not been reported in the literature in individuals affected with LTBP2-related conditions. ClinVar contains an entry for this variant (Variation ID: 667380). For these reasons, this variant has been classified as Pathogenic.

Laboratory for Molecular Medicine, Mass General Brigham Personalized Medicine
Classification: Likely pathogenic for Congenital glaucoma. Last evaluated: 2016-04-01. Review status: criteria provided, single submitter. Criteria: LMM Criteria. Collection method: clinical testing. Allele origin: germline. Inheritance: Autosomal recessive inheritance. Observed: 1 variant allele.
Comment: The p.Gln1533X variant in LTBP2 has not been reported in the literature and was absent from large population studies. This nonsense variant leads to a premature termination codon at position 1533, which is predicted to lead to a truncated o r absent protein. Loss of function of the LTBP2 gene is associated with heredita ry ocular disease, such as primary open angle glaucoma, microspherophakia, and m egalocornea. In summary, although additional studies are required to fully estab lish its clinical significance, the p.Gln1533X variant is likely pathogenic.

Literature cited by the submitters: PubMed 19361779 (cited by Labcorp Genetics (formerly Invitae), Labcorp); PubMed 19656777 (cited by Labcorp Genetics (formerly Invitae), Labcorp); PubMed 22025892 (cited by Labcorp Genetics (formerly Invitae), Labcorp).